The following is an entry in ClinVar:

ClinVar aggregate classification (germline): Uncertain significance. Review status: criteria provided, multiple submitters, no conflicts (2 of 4 stars). 2 submissions from 2 submitters: Uncertain significance (2). Last evaluated 2024-07-16.

Conditions:
Mitochondrial complex II deficiency, nuclear type 1. Also called: SUCCINATE CoQ REDUCTASE DEFICIENCY. Identifiers: Orphanet 3208, MedGen C5700310, MONDO:0100294, OMIM 252011.
Pheochromocytoma/paraganglioma syndrome 5. Also called: Paragangliomas 5; SDHA-Related Hereditary Paraganglioma-Pheochromocytoma Syndrome. Identifiers: Orphanet 29072, MedGen C3279992, MONDO:0013602, OMIM 614165.
Hereditary cancer-predisposing syndrome. Also called: Hereditary Cancer Syndrome; Hereditary neoplastic syndrome; Neoplastic Syndromes, Hereditary; Tumor predisposition. Identifiers: Orphanet 140162, MedGen C0027672, MeSH D009386, MONDO:0015356.

Submissions (2):

Labcorp Genetics (formerly Invitae), Labcorp
Classification: Uncertain significance for Pheochromocytoma/paraganglioma syndrome 5; Mitochondrial complex II deficiency, nuclear type 1. Last evaluated: 2024-07-16. Review status: criteria provided, single submitter. Criteria: Invitae Variant Classification Sherloc (09022015). Collection method: clinical testing. Allele origin: germline.
Comment: This sequence change replaces glycine, which is neutral and non-polar, with serine, which is neutral and polar, at codon 299 of the SDHA protein (p.Gly299Ser). This variant also falls at the last nucleotide of exon 7, which is part of the consensus splice site for this exon. This variant is not present in population databases (gnomAD no frequency). This variant has not been reported in the literature in individuals affected with SDHA-related conditions. ClinVar contains an entry for this variant (Variation ID: 1765254). An algorithm developed to predict the effect of missense changes on protein structure and function (PolyPhen-2) suggests that this variant is likely to be disruptive. Variants that disrupt the consensus splice site are a relatively common cause of aberrant splicing (PMID: 17576681, 9536098). Algorithms developed to predict the effect of sequence changes on RNA splicing suggest that this variant may disrupt the consensus splice site. In summary, the available evidence is currently insufficient to determine the role of this variant in disease. Therefore, it has been classified as a Variant of Uncertain Significance.

Ambry Genetics
Classification: Uncertain significance for Hereditary cancer-predisposing syndrome. Last evaluated: 2021-02-25. Review status: criteria provided, single submitter. Criteria: Ambry Variant Classification Scheme 2023. Collection method: clinical testing. Allele origin: germline.
Comment: The p.G299S variant (also known as c.895G>A), located in coding exon 7 of the SDHA gene, results from a G to A substitution at nucleotide position 895. The amino acid change results in glycine to serine at codon 299, an amino acid with similar properties. However, this change occurs in the last base pair of coding exon 7, which makes it likely to have some effect on normal mRNA splicing. This nucleotide position is highly conserved in available vertebrate species. In silico splice site analysis predicts that this alteration will weaken the native splice donor site. This amino acid position is highly conserved in available vertebrate species. In addition, as a missense substitution the in silico prediction for this alteration is inconclusive. Since supporting evidence is limited at this time, the clinical significance of this alteration remains unclear.

Literature cited by the submitters: PubMed 17576681 (cited by Labcorp Genetics (formerly Invitae), Labcorp); PubMed 9536098 (cited by Labcorp Genetics (formerly Invitae), Labcorp).

NM_004168.4(SDHA):c.895G>A (p.Gly299Ser)

Gene: SDHA (succinate dehydrogenase complex flavoprotein subunit A; plus strand). Cytogenetic location: 5p15.33.
Variant type: single nucleotide variant.
Coding change: c.895G>A on transcript NM_004168.4 (MANE Select); coding-DNA position 895, G replaced by A.
Protein change: p.Gly299Ser; replaces glycine 299 with serine.
Molecular consequence: missense variant.
Genome position (GRCh38, 1-based): chr5:231,000, G>A. VCF-style: chr5-231000-G-A. GRCh37 (hg19) VCF-style: chr5-231115-G-A.
Other names: c.751G>A, p.Gly251Ser (NM_001294332.2); c.895G>A, p.Gly299Ser (NM_001330758.2); short protein forms G299S, G251S.
Identifiers: ClinVar variation 1765254 (VCV001765254.5), dbSNP rs2477333643, ClinGen allele CA359012111.